The following is an entry in ClinVar:

NM_213618.2(DENND2B):c.393C>A (p.Cys131Ter)

Gene: DENND2B (DENN domain containing 2B; minus strand). Cytogenetic location: 11p15.4.
Variant type: single nucleotide variant.
Coding change: c.393C>A on transcript NM_213618.2 (MANE Select); coding-DNA position 393, C replaced by A.
Protein change: p.Cys131Ter; replaces cysteine 131 with a stop codon.
Molecular consequence: nonsense. On other transcripts: 5 prime UTR variant (1), non-coding transcript variant (6), intron variant (8).
Genome position (GRCh38, 1-based): chr11:8,730,897, G>T on the plus strand (C>A on the coding strand, the complement: DENND2B is on the minus strand). VCF-style: chr11-8730897-G-T. GRCh37 (hg19) VCF-style: chr11-8752444-G-T.
Other names: c.393C>A, p.Cys131Ter (NM_001376495.1, NM_001376496.1, NM_001376497.1 and 2 more transcripts); c.-148C>A (NM_001376499.1); c.81-4688C>A (NM_139157.3, NM_001376504.1, NM_001376503.1 and 2 more transcripts); c.-107-13005C>A (NM_001376505.1); c.-244-4688C>A (NM_001376506.1); c.-13+226C>A (NM_001376500.1); short protein forms C131*.
Identifiers: ClinVar variation 5002912 (VCV005002912.1).

ClinVar aggregate classification (germline): Uncertain significance (1 of 4 stars; one submission).

Submission:

OLLIN Analises Genomicas, OLLIN
Classification: Uncertain significance. Last evaluated: 2026-08-06. Review status: criteria provided, single submitter. Criteria: ACMG Guidelines 2015 PMID 25741868. Collection method: clinical testing. Allele origin: germline.
Comment: This nonsense variant, located in exon 3 (of 20), is absent from gnomAD and ClinVar and has not been identified in the literature. This variant introduces a premature stop codon, which is predicted to result in either a truncated protein or degradation of the mRNA via nonsense-mediated decay (NMD). According to the currently available evidence, this variant has been classified as uncertain significance (PM2_P).